The following is an entry in ClinVar:

ClinVar aggregate classification (germline): Benign/Likely benign. Review status: criteria provided, multiple submitters, no conflicts (2 of 4 stars). 6 submissions from 6 submitters: Benign (3); Likely benign (2). 1 of the submissions does not count toward it. Last evaluated 2026-07-13.

Conditions:
SMARCA4-related disorder. Also called: SMARCA4-related condition.
Rhabdoid tumor predisposition syndrome 2 (RTPS2). Identifiers: Orphanet 231108, Orphanet 69077, MedGen C2750074, MONDO:0013224, OMIM 613325.
Hereditary cancer-predisposing syndrome. Also called: Hereditary Cancer Syndrome; Hereditary neoplastic syndrome; Neoplastic Syndromes, Hereditary; Tumor predisposition. Identifiers: Orphanet 140162, MedGen C0027672, MeSH D009386, MONDO:0015356.

Allele frequency attached by ClinVar (database versions not stated): ESP Exome Variant Server 0.00008; gnomAD 0.00012 and 0.00011; 1000 Genomes Project 30x 0.00016; TOPMed 0.00019; 1000 Genomes Project 0.00020; gnomAD exomes 0.00002 and 0.00001; ExAC 0.00004.
gnomAD v4.1: 32 of 1,614,188 alleles (0.002%); highest among the groups gnomAD compares: African/African-American, 0.035%; no homozygotes.

Submissions (6):

Myriad Genetics, Inc.
Classification: Benign for Rhabdoid tumor predisposition syndrome 2. Last evaluated: 2026-07-13. Review status: criteria provided, single submitter. Criteria: Myriad Autosomal Dominant, Autosomal Recessive and X-Linked Classification Criteria (2023). Collection method: clinical testing. Allele origin: unknown.
Comment: This variant is considered benign. This variant is a silent/synonymous amino acid change and it is not expected to impact splicing.

Labcorp Genetics (formerly Invitae), Labcorp
Classification: Likely benign for Rhabdoid tumor predisposition syndrome 2. Last evaluated: 2026-01-27. Review status: criteria provided, single submitter. Criteria: Invitae Variant Classification Sherloc (09022015). Collection method: clinical testing. Allele origin: germline.

Quest Diagnostics Nichols Institute San Juan Capistrano
Classification: Benign. Last evaluated: 2022-12-06. Review status: criteria provided, single submitter. Criteria: Quest Diagnostics criteria. Collection method: clinical testing. Allele origin: unknown.

Sema4
Classification: Benign for Hereditary cancer-predisposing syndrome. Last evaluated: 2020-10-21. Review status: criteria provided, single submitter. Criteria: Sema4 Curation Guidelines. Collection method: curation. Allele origin: germline.

Ambry Genetics
Classification: Likely benign for Hereditary cancer-predisposing syndrome. Last evaluated: 2015-11-09. Review status: criteria provided, single submitter. Criteria: Ambry Variant Classification Scheme 2023. Collection method: clinical testing. Allele origin: germline.

PreventionGenetics, part of Exact Sciences
Classification: Likely benign for SMARCA4-related condition. Last evaluated: 2020-01-23. Review status: no assertion criteria provided. Collection method: clinical testing. Allele origin: germline. Not counted in ClinVar's aggregate classification.
Comment: This variant is classified as likely benign based on ACMG/AMP sequence variant interpretation guidelines (Richards et al. 2015 PMID: 25741868, with internal and published modifications).

NM_003072.5(SMARCA4):c.2403C>T (p.Arg801=)

Gene: SMARCA4 (SWI/SNF related BAF chromatin remodeling complex subunit ATPase 4; plus strand). Cytogenetic location: 19p13.2.
Variant type: single nucleotide variant.
Coding change: c.2403C>T on transcript NM_003072.5 (MANE Select); coding-DNA position 2403, C replaced by T.
Protein change: p.Arg801=; no amino-acid change (arginine 801 retained).
Molecular consequence: synonymous variant. On other transcripts: non-coding transcript variant (1).
Genome position (GRCh38, 1-based): chr19:11,013,077, C>T. VCF-style: chr19-11013077-C-T. GRCh37 (hg19) VCF-style: chr19-11123753-C-T.
Other names: c.2403C>T, p.Arg801= (NM_001128844.3, NM_001128845.2, NM_001128846.2 and 5 more transcripts).
Identifiers: ClinVar variation 415058 (VCV000415058.21), dbSNP rs142995801, ClinGen allele CA9204095.